The following is an entry in ClinVar:

NM_207361.6(FREM2):c.6616G>T (p.Asp2206Tyr)

Gene: FREM2 (FRAS1 related extracellular matrix 2; plus strand). Cytogenetic location: 13q13.3.
Variant type: single nucleotide variant.
Coding change: c.6616G>T on transcript NM_207361.6 (MANE Select); coding-DNA position 6616, G replaced by T.
Protein change: p.Asp2206Tyr; replaces aspartic acid 2206 with tyrosine.
Molecular consequence: missense variant.
Genome position (GRCh38, 1-based): chr13:38,850,982, G>T. VCF-style: chr13-38850982-G-T. GRCh37 (hg19) VCF-style: chr13-39425119-G-T.
Other names: short protein forms D2206Y.
Identifiers: ClinVar variation 4741725 (VCV004741725.1).

ClinVar aggregate classification (germline): Uncertain significance (1 of 4 stars; one submission).

Submission:

Labcorp Genetics (formerly Invitae), Labcorp
Classification: Uncertain significance. Last evaluated: 2025-05-23. Review status: criteria provided, single submitter. Criteria: Invitae Variant Classification Sherloc (09022015). Collection method: clinical testing. Allele origin: germline.
Comment: This sequence change replaces aspartic acid, which is acidic and polar, with tyrosine, which is neutral and polar, at codon 2206 of the FREM2 protein (p.Asp2206Tyr). This variant is not present in population databases (gnomAD no frequency). This variant has not been reported in the literature in individuals affected with FREM2-related conditions. Invitae Evidence Modeling of protein sequence and biophysical properties (such as structural, functional, and spatial information, amino acid conservation, physicochemical variation, residue mobility, and thermodynamic stability) indicates that this missense variant is expected to disrupt FREM2 protein function with a positive predictive value of 80%. In summary, the available evidence is currently insufficient to determine the role of this variant in disease. Therefore, it has been classified as a Variant of Uncertain Significance.